The following is an entry in ClinVar:

ClinVar aggregate classification (germline): Uncertain significance (1 of 4 stars; one submission).

Conditions:
Midface hypoplasia, hearing impairment, elliptocytosis, and nephrocalcinosis (MFHIEN). Identifiers: Orphanet 688581, MedGen C4310810, MONDO:0010516, OMIM 300990.

Submission:

Geisinger Autism and Developmental Medicine Institute, Geisinger Health System
Classification: Uncertain significance for Midface hypoplasia, hearing impairment, elliptocytosis, and nephrocalcinosis. Last evaluated: 2017-03-23. Review status: criteria provided, single submitter. Criteria: ACMG CNV Guidelines, 2011. Collection method: provider interpretation. Allele origin: maternal.

Literature cited by the submitters: PubMed 27811305; PubMed 28089922.

Single allele

Genes: TMEM164 (transmembrane protein 164; plus strand), AMMECR1 (AMMECR nuclear protein 1; minus strand). Cytogenetic location: Xq23.
Variant type: Duplication.
Identifiers: ClinVar variation 560072 (VCV000560072.3).